The following is an entry in ClinVar:

ClinVar aggregate classification (germline): Uncertain significance (1 of 4 stars; one submission).

Conditions:
Nemaline myopathy 2 (NEM2). Also called: Nemaline myopathy 2, autosomal recessive. Identifiers: MedGen C1850569, MONDO:0009725, OMIM 256030.

Submission:

Labcorp Genetics (formerly Invitae), Labcorp
Classification: Uncertain significance for Nemaline myopathy 2. Last evaluated: 2019-12-08. Review status: criteria provided, single submitter. Criteria: Invitae Variant Classification Sherloc (09022015). Collection method: clinical testing. Allele origin: germline.
Comment: This sequence change replaces valine with glycine at codon 8372 of the NEB protein (p.Val8372Gly). The valine residue is weakly conserved and there is a moderate physicochemical difference between valine and glycine. This variant is not present in population databases (ExAC no frequency). This variant has not been reported in the literature in individuals with NEB-related conditions. Algorithms developed to predict the effect of missense changes on protein structure and function are either unavailable or do not agree on the potential impact of this missense change (SIFT: "Deleterious"; PolyPhen-2: "Not Available"; Align-GVGD: "Class C0"). In summary, the available evidence is currently insufficient to determine the role of this variant in disease. Therefore, it has been classified as a Variant of Uncertain Significance.

NM_001164508.2(NEB):c.25010T>G (p.Val8337Gly)

Genes: RIF1 (replication timing regulatory factor 1; plus strand), NEB (nebulin; minus strand). Cytogenetic location: 2q23.3.
Variant type: single nucleotide variant.
Coding change: c.25010T>G on transcript NM_001164508.2 (MANE Select); coding-DNA position 25010, T replaced by G.
Protein change: p.Val8337Gly; replaces valine 8337 with glycine.
Molecular consequence: missense variant.
Genome position (GRCh38, 1-based): chr2:151,492,145, A>C on the plus strand (T>G on the coding strand, the complement: NEB is on the minus strand). VCF-style: chr2-151492145-A-C. GRCh37 (hg19) VCF-style: chr2-152348659-A-C.
Other names: c.25010T>G, p.Val8337Gly (NM_001164507.2); c.25115T>G, p.Val8372Gly (NM_001271208.2); c.19442T>G, p.Val6481Gly (NM_004543.5); short protein forms V6481G, V8337G, V8372G.
Identifiers: ClinVar variation 856143 (VCV000856143.9), dbSNP rs2057127460, ClinGen allele CA348773403.